The following is an entry in ClinVar:

NM_000443.4(ABCB4):c.3634-72T>C

Gene: ABCB4 (ATP binding cassette subfamily B member 4; minus strand). Cytogenetic location: 7q21.12.
Variant type: single nucleotide variant.
Coding change: c.3634-72T>C on transcript NM_000443.4 (MANE Select); 72 bases into the intron before coding-DNA position 3634, T replaced by C.
Molecular consequence: intron variant.
Genome position (GRCh38, 1-based): chr7:87,402,374, A>G on the plus strand (T>C on the coding strand, the complement: ABCB4 is on the minus strand). VCF-style: chr7-87402374-A-G. GRCh37 (hg19) VCF-style: chr7-87031690-A-G.
Other names: c.3493-72T>C (NM_018850.3); c.3655-72T>C (NM_018849.3).
Identifiers: ClinVar variation 1183441 (VCV001183441.4), dbSNP rs45549641, ClinGen allele CA162102619.
Genomic context (GRCh38, chr7:87,402,374, plus strand): 5'-TCAGACAGACACCTTATCCCAAAAATTGTATAAATTAGTTTTAACATTCAAGTAAATTTG[A>G]AAATGTTACCTTTCTAATCAACTTTTAATTTCTAGTATCTTAGAATCTTTGAACTTTATG-3'

ClinVar aggregate classification (germline): Benign. Review status: criteria provided, multiple submitters, no conflicts (2 of 4 stars). 3 submissions from 3 submitters: Benign (3). Last evaluated 2026-04-14.

Conditions:
Low phospholipid associated cholelithiasis (GBD1). Also called: Gallbladder disease 1; Gallstone cholecystitis. Identifiers: Orphanet 69663, MedGen C2609268, MONDO:0010939, OMIM 600803.
Familial intrahepatic cholestasis. Identifiers: Orphanet 284385, MedGen CN296401, MONDO:0017290.

Allele frequency attached by ClinVar (database versions not stated): gnomAD exomes 0.08419; gnomAD 0.13297 and 0.13537; TOPMed 0.13783; 1000 Genomes Project 0.14537; 1000 Genomes Project 30x 0.15100.
gnomAD v4.1: 138,334 of 1,550,348 alleles (8.9%); highest among the groups gnomAD compares: African/African-American, 27%; 8,020 homozygotes.

Submissions (3):

Genomenon, Inc
Classification: Benign for Familial intrahepatic cholestasis; Low phospholipid associated cholelithiasis. Last evaluated: 2026-04-14. Review status: criteria provided, single submitter. Criteria: Genomenon Sequence Variant Interpretation Standards - Updated. Collection method: curation. Allele origin: germline. Affected: no.
Comment: ABCB4 c.3634-72T>C is an intronic variant located in intron 27. This variant is present at high allele frequency in population databases. We classify ABCB4 c.3634-72T>C as a benign variant.

GeneDx
Classification: Benign. Last evaluated: 2018-06-29. Review status: criteria provided, single submitter. Criteria: GeneDx Variant Classification Process June 2021. Collection method: clinical testing. Allele origin: germline. Affected: yes.

Breakthrough Genomics
Classification: Benign. Review status: criteria provided, single submitter. Criteria: ACMG Guidelines, 2015. Collection method: not provided. Allele origin: germline. Inheritance: Autosomal recessive inheritance. Affected: yes.